The following is an entry in ClinVar:

ClinVar aggregate classification (germline): Uncertain significance (1 of 4 stars; one submission).

Conditions:
MRAP2-related disorder. Also called: MRAP2-related condition.

Allele frequency attached by ClinVar (database versions not stated): gnomAD 0.00001.
gnomAD v4.1: 2 of 1,610,060 alleles (0.00012%); highest among the groups gnomAD compares: Non-Finnish European, 0.00017%; no homozygotes.

Submission:

PreventionGenetics, part of Exact Sciences
Classification: Uncertain significance for MRAP2-related condition. Last evaluated: 2023-08-14. Review status: criteria provided, single submitter. Criteria: ACMG Guidelines, 2015. Collection method: clinical testing. Allele origin: germline.
Comment: The MRAP2 c.127+5G>T variant is predicted to interfere with splicing. To our knowledge, this variant has not been reported in the literature or in a large population database, indicating this variant is rare. At this time, the clinical significance of this variant is uncertain due to the absence of conclusive functional and genetic evidence.

NM_138409.4(MRAP2):c.127+5G>T

Gene: MRAP2 (melanocortin 2 receptor accessory protein 2; plus strand). Cytogenetic location: 6q14.2.
Variant type: single nucleotide variant.
Coding change: c.127+5G>T on transcript NM_138409.4 (MANE Select); 5 bases into the intron after coding-DNA position 127, G replaced by T.
Molecular consequence: intron variant.
Genome position (GRCh38, 1-based): chr6:84,055,450, G>T. VCF-style: chr6-84055450-G-T. GRCh37 (hg19) VCF-style: chr6-84765169-G-T.
Other names: c.127+5G>T (NM_001346542.2, NM_001346544.2); c.-133+5G>T (NM_001346543.2); c.-32+5G>T (NM_001346541.2).
Identifiers: ClinVar variation 2629251 (VCV002629251.1), dbSNP rs2099491444, ClinGen allele CA1642813033.